The following is an entry in ClinVar:

ClinVar aggregate classification (germline): Uncertain significance. Review status: criteria provided, multiple submitters, no conflicts (2 of 4 stars). 2 submissions from 2 submitters: Uncertain significance (2). Last evaluated 2025-09-05.

Conditions:
Inborn genetic diseases. Identifiers: MedGen C0950123, MeSH D030342.
Malignant hyperthermia, susceptibility to, 5 (MHS5). Also called: CACNA1S-Related Malignant Hyperthermia Susceptibility. Identifiers: Orphanet 423, MedGen C1866077, MONDO:0011163, OMIM 601887.

gnomAD v4.1: 5 of 1,576,016 alleles (0.00032%); highest among the groups gnomAD compares: African/African-American, 0.0013%; no homozygotes.

Submissions (2):

Color Diagnostics, LLC DBA Color Health
Classification: Uncertain significance for Malignant hyperthermia, susceptibility to, 5. Last evaluated: 2025-09-05. Review status: criteria provided, single submitter. Criteria: ACMG Guidelines, 2015. Collection method: clinical testing. Allele origin: germline.
Comment: This missense variant replaces asparagine with serine at codon 803 of the CACNA1S protein. Computational prediction suggests that this variant may have deleterious impact on protein structure and function. To our knowledge, functional studies have not been reported for this variant. This variant has not been reported in individuals affected with CACNA1S-related disorders in the literature. This variant has not been identified in the general population by the Genome Aggregation Database (gnomAD). The available evidence is insufficient to determine the role of this variant in disease conclusively. Therefore, this variant is classified as a Variant of Uncertain Significance.

Ambry Genetics
Classification: Uncertain significance for Inborn genetic diseases. Last evaluated: 2024-12-17. Review status: criteria provided, single submitter. Criteria: Ambry Variant Classification Scheme 2023. Collection method: clinical testing. Allele origin: germline.

NM_000069.3(CACNA1S):c.2408A>G (p.Asn803Ser)

Gene: CACNA1S (calcium voltage-gated channel subunit alpha1 S; minus strand). Cytogenetic location: 1q32.1.
Variant type: single nucleotide variant.
Coding change: c.2408A>G on transcript NM_000069.3 (MANE Select); coding-DNA position 2408, A replaced by G.
Protein change: p.Asn803Ser; replaces asparagine 803 with serine.
Molecular consequence: missense variant.
Genome position (GRCh38, 1-based): chr1:201,069,554, T>C on the plus strand (A>G on the coding strand, the complement: CACNA1S is on the minus strand). VCF-style: chr1-201069554-T-C. GRCh37 (hg19) VCF-style: chr1-201038682-T-C.
Other names: short protein forms N803S.
Identifiers: ClinVar variation 3826679 (VCV003826679.2).